The following is an entry in ClinVar:

ClinVar aggregate classification (germline): Uncertain significance (1 of 4 stars; one submission).

Conditions:
Dilated cardiomyopathy 1AA (CMD1AA). Also called: CARDIOMYOPATHY, DILATED, 1AA, WITH OR WITHOUT LEFT VENTRICULAR NONCOMPACTION; Cardiomyopathy, dilated, 1AA, with or without LVNC; CARDIOMYOPATHY, FAMILIAL HYPERTROPHIC, 23, WITH OR WITHOUT LEFT VENTRICULAR NONCOMPACTION. Identifiers: Orphanet 154, MedGen C2677338, MONDO:0012808, OMIM 612158.
Primary familial hypertrophic cardiomyopathy (HCM). Identifiers: Orphanet 99739, MedGen C0949658, MeSH D024741, MONDO:0024573. Inheritance: Various modes of inheritance.

Submission:

Labcorp Genetics (formerly Invitae), Labcorp
Classification: Uncertain significance for Primary familial hypertrophic cardiomyopathy; Dilated cardiomyopathy 1AA. Last evaluated: 2022-08-29. Review status: criteria provided, single submitter. Criteria: Invitae Variant Classification Sherloc (09022015). Collection method: clinical testing. Allele origin: germline.
Comment: In summary, the available evidence is currently insufficient to determine the role of this variant in disease. Therefore, it has been classified as a Variant of Uncertain Significance. This sequence change affects a donor splice site in intron 14 of the ACTN2 gene. It is expected to disrupt RNA splicing. Variants that disrupt the donor or acceptor splice site typically lead to a loss of protein function (PMID: 16199547), however the current clinical and genetic evidence is not sufficient to establish whether loss-of-function variants in ACTN2 cause disease. This variant is not present in population databases (gnomAD no frequency). Disruption of this splice site has been observed in individual(s) with hypertrophic cardiomyopathy (Invitae). Algorithms developed to predict the effect of sequence changes on RNA splicing suggest that this variant may disrupt the consensus splice site.

Literature cited by the submitters: PubMed 16199547.

NM_001103.4(ACTN2):c.1656+1G>A

Gene: ACTN2 (actinin alpha 2; plus strand). Cytogenetic location: 1q43.
Variant type: single nucleotide variant.
Coding change: c.1656+1G>A on transcript NM_001103.4 (MANE Select); the canonical splice donor site of the intron after coding-DNA position 1656, G replaced by A.
Molecular consequence: splice donor variant.
Genome position (GRCh38, 1-based): chr1:236,749,265, G>A. VCF-style: chr1-236749265-G-A. GRCh37 (hg19) VCF-style: chr1-236912565-G-A.
Other names: c.1656+1G>A (NM_001278343.2).
Identifiers: ClinVar variation 2020286 (VCV002020286.4), dbSNP rs113413933, ClinGen allele CA39737498.
Genomic context (GRCh38, chr1:236,749,265, plus strand): 5'-GAGGGCGCTATGGAGGATCTGCAAGATATGTTCATTGTCCACAGCATTGAGGAGATCCAG[G>A]TAATGGAACCGCAACTCTGTATGCCCTATGCATTAGAAGTGAGTTGTCATTTAAACTTAA-3'